The following is an entry in ClinVar:

NM_012479.4(YWHAG):c.301C>G (p.Leu101Val)

Gene: YWHAG (tyrosine 3-monooxygenase/tryptophan 5-monooxygenase activation protein gamma; minus strand). Cytogenetic location: 7q11.23.
Variant type: single nucleotide variant.
Coding change: c.301C>G on transcript NM_012479.4 (MANE Select); coding-DNA position 301, C replaced by G.
Protein change: p.Leu101Val; replaces leucine 101 with valine.
Molecular consequence: missense variant.
Genome position (GRCh38, 1-based): chr7:76,330,020, G>C on the plus strand (C>G on the coding strand, the complement: YWHAG is on the minus strand). VCF-style: chr7-76330020-G-C. GRCh37 (hg19) VCF-style: chr7-75959337-G-C.
Other names: short protein forms L101V.
Identifiers: ClinVar variation 2751074 (VCV002751074.3), dbSNP rs1351412733, ClinGen allele CA367777691.
Genomic context (GRCh38, chr7:76,330,020, plus strand): 5'-CTTTGCTCTCGTACTGGGTCTCGCTGCAATTCTTGATCAGGTAGTTATCCAGCAGGCTCA[G>C]CACATCCTGGCACACAGCCTCCAACTCCTTCTCTATCTTCTCCCGGTACGCACGGACCAT-3'
Protein context (NP_036611.2, residues 91-111): KELEAVCQDV[Leu101Val]SLLDNYLIKN

ClinVar aggregate classification (germline): Uncertain significance (1 of 4 stars; one submission).

Submission:

Labcorp Genetics (formerly Invitae), Labcorp
Classification: Uncertain significance. Last evaluated: 2023-08-07. Review status: criteria provided, single submitter. Criteria: Invitae Variant Classification Sherloc (09022015). Collection method: clinical testing. Allele origin: germline.
Comment: This variant is not present in population databases (gnomAD no frequency). This sequence change replaces leucine, which is neutral and non-polar, with valine, which is neutral and non-polar, at codon 101 of the YWHAG protein (p.Leu101Val). In summary, the available evidence is currently insufficient to determine the role of this variant in disease. Therefore, it has been classified as a Variant of Uncertain Significance. Advanced modeling of protein sequence and biophysical properties (such as structural, functional, and spatial information, amino acid conservation, physicochemical variation, residue mobility, and thermodynamic stability) performed at Invitae indicates that this missense variant is not expected to disrupt YWHAG protein function. This variant has not been reported in the literature in individuals affected with YWHAG-related conditions.